The following is an entry in ClinVar:

NM_001164508.2(NEB):c.6076-1G>T

Gene: NEB (nebulin; minus strand). Cytogenetic location: 2q23.3.
Variant type: single nucleotide variant.
Coding change: c.6076-1G>T on transcript NM_001164508.2 (MANE Select); the canonical splice acceptor site of the intron before coding-DNA position 6076, G replaced by T.
Molecular consequence: splice acceptor variant.
Genome position (GRCh38, 1-based): chr2:151,658,091, C>A on the plus strand (G>T on the coding strand, the complement: NEB is on the minus strand). VCF-style: chr2-151658091-C-A. GRCh37 (hg19) VCF-style: chr2-152514605-C-A.
Other names: c.6076-1G>T (NM_004543.5, NM_001164507.2, NM_001271208.2).
Identifiers: ClinVar variation 553493 (VCV000553493.15), dbSNP rs1553469502, ClinGen allele CA348802582.

ClinVar aggregate classification (germline): Likely pathogenic. Review status: reviewed by expert panel (3 of 4 stars). 5 submissions from 5 submitters: Likely pathogenic (1). 4 of the submissions do not count toward it. Last evaluated 2024-08-07.

Conditions:
Arthrogryposis multiplex congenita 6. Identifiers: MedGen C5543431, MONDO:0030281, OMIM 619334.
Nemaline myopathy 2 (NEM2). Also called: Nemaline myopathy 2, autosomal recessive. Identifiers: MedGen C1850569, MONDO:0009725, OMIM 256030.
Nemaline myopathy. Also called: Myopathies, Nemaline. Identifiers: Orphanet 607, MedGen C0206157, MONDO:0018958.

Allele frequency attached by ClinVar (database versions not stated): gnomAD exomes below 0.00001; TOPMed below 0.00001; gnomAD 0.00001.
gnomAD v4.1: 2 of 1,576,320 alleles (0.00013%); highest among the groups gnomAD compares: African/African-American, 0.0027%; no homozygotes.

Submissions (5):

ClinGen Congenital Myopathies Variant Curation Expert Panel, ClinGen
Classification: Likely pathogenic for Nemaline myopathy. Last evaluated: 2024-08-07. Review status: reviewed by expert panel. Criteria: ClinGen CongenMyopathy ACMG Specifications NEB V1.0.0. Collection method: curation. Allele origin: germline. Inheritance: Autosomal recessive inheritance.
Comment: The c.6076-1G>T variant in NEB occurs within the canonical splice acceptor site -1 of intron 47. It is predicted to cause skipping of biologically-relevant-exon 48/182, resulting in an in-frame deletion (removes amino acids 2026-2061) that is predicted to escape nonsense mediated decay (PVS1_Strong). The highest population minor allele frequency in gnomAD 4.1.0 is 0.00002698 (2/74116) in the African American population which meets the threshold to apply PM2_Supporting (MAF≤0.0000559). An additional pathogenic variant was identified in multiple affected probands at the same canonical splice acceptor site (c.6076-2A>C) (Invitae, SCV001204195.4) (PM5). In summary, this variant meets the criteria to be classified as likely pathogenic for autosomal recessive nemaline myopathy based on the ACMG/AMP criteria applied, as specified by the ClinGen Congenital Myopathies VCEP: PVS1_Strong, PM5, PM2_Supporting. (Congenital Myopathies VCEP specifications version 1; 8/7/2024)

Fulgent Genetics
Classification: Likely pathogenic for Nemaline myopathy 2; Arthrogryposis multiplex congenita 6. Last evaluated: 2024-04-16. Review status: criteria provided, single submitter. Criteria: ACMG Guidelines, 2015. Collection method: clinical testing. Allele origin: germline. Not counted in ClinVar's aggregate classification.

Baylor Genetics
Classification: Likely pathogenic for Arthrogryposis multiplex congenita 6. Last evaluated: 2023-03-07. Review status: criteria provided, single submitter. Criteria: ACMG Guidelines, 2015. Collection method: clinical testing. Allele origin: unknown. Not counted in ClinVar's aggregate classification.

Labcorp Genetics (formerly Invitae), Labcorp
Classification: Pathogenic for Nemaline myopathy 2. Last evaluated: 2022-11-15. Review status: criteria provided, single submitter. Criteria: Invitae Variant Classification Sherloc (09022015). Collection method: clinical testing. Allele origin: germline. Not counted in ClinVar's aggregate classification.
Comment: This variant is not present in population databases (gnomAD no frequency). Disruption of this splice site has been observed in individual(s) with clinical features of NEB-related conditions (Invitae). In at least one individual the data is consistent with being in trans (on the opposite chromosome) from a pathogenic variant. ClinVar contains an entry for this variant (Variation ID: 553493). Algorithms developed to predict the effect of sequence changes on RNA splicing suggest that this variant may disrupt the consensus splice site. For these reasons, this variant has been classified as Pathogenic. This sequence change affects an acceptor splice site in intron 47 of the NEB gene. It is expected to disrupt RNA splicing. Variants that disrupt the donor or acceptor splice site typically lead to a loss of protein function (PMID: 16199547), and loss-of-function variants in NEB are known to be pathogenic (PMID: 25205138).

Counsyl
Classification: Likely pathogenic for Nemaline myopathy 2. Last evaluated: 2017-08-22. Review status: no assertion criteria provided. Collection method: clinical testing. Allele origin: unknown. Not counted in ClinVar's aggregate classification.

Literature cited by the submitters: PubMed 16199547 (cited by Labcorp Genetics (formerly Invitae), Labcorp); PubMed 25205138 (cited by Labcorp Genetics (formerly Invitae), Labcorp).